The following is an entry in ClinVar:

ClinVar aggregate classification (germline): Uncertain significance. Review status: criteria provided, multiple submitters, no conflicts (2 of 4 stars). 2 submissions from 2 submitters: Uncertain significance (2). Last evaluated 2025-09-03.

Conditions:
Factor I deficiency (CFID). Also called: Complement factor I deficiency. Identifiers: Orphanet 200418, MedGen C3463916, MONDO:0012594, OMIM 610984.
Atypical hemolytic-uremic syndrome with I factor anomaly. Also called: HEMOLYTIC UREMIC SYNDROME, ATYPICAL, SUSCEPTIBILITY TO, 3; AHUS, SUSCEPTIBILITY TO, 3. Identifiers: Orphanet 2134, MedGen C2752039, MONDO:0013041, OMIM 612923.
Age related macular degeneration 13. Identifiers: MedGen C3809523, MONDO:0014189, OMIM 615439.

Allele frequency attached by ClinVar (database versions not stated): gnomAD 0.00001; gnomAD exomes 0.00001; ExAC 0.00002; TOPMed 0.00002.
gnomAD v4.1: 12 of 1,613,532 alleles (0.00074%); highest among the groups gnomAD compares: East Asian, 0.0022%; no homozygotes.

Submissions (2):

Labcorp Genetics (formerly Invitae), Labcorp
Classification: Uncertain significance. Last evaluated: 2025-09-03. Review status: criteria provided, single submitter. Criteria: Invitae Variant Classification Sherloc (09022015). Collection method: clinical testing. Allele origin: germline.
Comment: This sequence change replaces serine, which is neutral and polar, with arginine, which is basic and polar, at codon 493 of the CFI protein (p.Ser493Arg). This variant is present in population databases (rs780759494, gnomAD 0.002%). This variant has not been reported in the literature in individuals affected with CFI-related conditions. ClinVar contains an entry for this variant (Variation ID: 1367661). Invitae Evidence Modeling of protein sequence and biophysical properties (such as structural, functional, and spatial information, amino acid conservation, physicochemical variation, residue mobility, and thermodynamic stability) indicates that this missense variant is not expected to disrupt CFI protein function with a negative predictive value of 80%. In summary, the available evidence is currently insufficient to determine the role of this variant in disease. Therefore, it has been classified as a Variant of Uncertain Significance.

Fulgent Genetics
Classification: Uncertain significance for Factor I deficiency; Atypical hemolytic-uremic syndrome with I factor anomaly; Age related macular degeneration 13. Last evaluated: 2021-11-18. Review status: criteria provided, single submitter. Criteria: ACMG Guidelines, 2015. Collection method: clinical testing. Allele origin: unknown.

NM_000204.5(CFI):c.1479C>A (p.Ser493Arg)

Gene: CFI (complement factor I; minus strand). Cytogenetic location: 4q25.
Variant type: single nucleotide variant.
Coding change: c.1479C>A on transcript NM_000204.5 (MANE Select); coding-DNA position 1479, C replaced by A.
Protein change: p.Ser493Arg; replaces serine 493 with arginine.
Molecular consequence: missense variant. On other transcripts: non-coding transcript variant (3).
Genome position (GRCh38, 1-based): chr4:109,742,546, G>T on the plus strand (C>A on the coding strand, the complement: CFI is on the minus strand). VCF-style: chr4-109742546-G-T. GRCh37 (hg19) VCF-style: chr4-110663702-G-T.
Other names: c.1503C>A, p.Ser501Arg (NM_001318057.2, NM_001375278.1); c.1458C>A, p.Ser486Arg (NM_001331035.2, NM_001375280.1, NM_001375282.1); c.1479C>A, p.Ser493Arg (NM_001375279.1, NM_001375281.1); c.1422C>A, p.Ser474Arg (NM_001375283.1); c.870C>A, p.Ser290Arg (NM_001375284.1); short protein forms S290R, S474R, S486R, S501R, S493R.
Identifiers: ClinVar variation 1367661 (VCV001367661.7), dbSNP rs780759494, ClinGen allele CA3041887.